The following is an entry in ClinVar:

ClinVar aggregate classification (germline): Uncertain significance. Review status: criteria provided, multiple submitters, no conflicts (2 of 4 stars). 4 submissions from 4 submitters: Uncertain significance (4). Last evaluated 2025-08-05.

Conditions:
Primary dilated cardiomyopathy (DCM). Also called: Dilated Cardiomyopathy. Identifiers: Orphanet 217604, MedGen C0007193, MeSH D002311, MONDO:0005021, HP:0001644. Inheritance: Various modes of inheritance.
Charcot-Marie-Tooth disease type 2. Also called: Charcot-Marie-Tooth type 2. Identifiers: Orphanet 64746, MedGen C0270914, MONDO:0018993.
Cardiomyopathy (CMYO). Also called: Cardiomyopathies. Identifiers: Orphanet 167848, MedGen C0878544, MONDO:0004994, HP:0001638. Inheritance: Various modes of inheritance.

Allele frequency attached by ClinVar (database versions not stated): gnomAD 0.00001; gnomAD exomes below 0.00001; TOPMed 0.00001.

Submissions (4):

Labcorp Genetics (formerly Invitae), Labcorp
Classification: Uncertain significance for Charcot-Marie-Tooth disease type 2. Last evaluated: 2025-08-05. Review status: criteria provided, single submitter. Criteria: Invitae Variant Classification Sherloc (09022015). Collection method: clinical testing. Allele origin: germline.
Comment: This sequence change replaces glutamic acid, which is acidic and polar, with lysine, which is basic and polar, at codon 554 of the LMNA protein (p.Glu554Lys). This variant is not present in population databases (gnomAD no frequency). This missense change has been observed in individual(s) with LMNA-related conditions (PMID: 30847666, 37178278; internal data). ClinVar contains an entry for this variant (Variation ID: 920376). Invitae Evidence Modeling of protein sequence and biophysical properties (such as structural, functional, and spatial information, amino acid conservation, physicochemical variation, residue mobility, and thermodynamic stability) indicates that this missense variant is expected to disrupt LMNA protein function with a positive predictive value of 95%. In summary, the available evidence is currently insufficient to determine the role of this variant in disease. Therefore, it has been classified as a Variant of Uncertain Significance.

All of Us Research Program, National Institutes of Health
Classification: Uncertain significance for Primary dilated cardiomyopathy. Last evaluated: 2023-10-06. Review status: criteria provided, single submitter. Criteria: ACMG Guidelines, 2015. Collection method: clinical testing. Allele origin: germline. Inheritance: Autosomal dominant inheritance. Observed: 2 variant alleles, 2 heterozygotes.
Comment: This missense variant replaces glutamic acid with lysine at codon 554 of the lamin A/C proteins. Computational prediction suggests that this variant may not impact protein structure and function (internally defined REVEL score threshold <= 0.5, PMID: 27666373). To our knowledge, functional studies have not been reported for this variant. This variant has been reported in an individual affected with dilated cardiomyopathy (PMID: 30847666) and in an individual who suffered from sudden cardiac death with evidence of arrhythmogenic cardiomyopathy (PMID: 37178278). This variant has not been identified in the general population by the Genome Aggregation Database (gnomAD). The available evidence is insufficient to determine the role of this variant in disease conclusively. Therefore, this variant is classified as a Variant of Uncertain Significance.

This study involves interpretation of variants in research participants for the purpose of population health screening. Participant phenotype was not available at the time of variant classification. Additional details can be found in publication PMID: 35346344, PMCID: PMC8962531

Color Diagnostics, LLC DBA Color Health
Classification: Uncertain significance for Cardiomyopathy. Last evaluated: 2023-09-30. Review status: criteria provided, single submitter. Criteria: ACMG Guidelines, 2015. Collection method: clinical testing. Allele origin: germline.
Comment: This missense variant replaces glutamic acid with lysine at codon 554 of the lamin A/C proteins. Computational prediction suggests that this variant may not impact protein structure and function (internally defined REVEL score threshold <= 0.5, PMID: 27666373). To our knowledge, functional studies have not been reported for this variant. This variant has been reported in an individual affected with dilated cardiomyopathy (PMID: 30847666) and in an individual who suffered from sudden cardiac death with evidence of arrhythmogenic cardiomyopathy (PMID: 37178278). This variant has not been identified in the general population by the Genome Aggregation Database (gnomAD). The available evidence is insufficient to determine the role of this variant in disease conclusively. Therefore, this variant is classified as a Variant of Uncertain Significance.

GeneDx
Classification: Uncertain significance. Last evaluated: 2019-07-26. Review status: criteria provided, single submitter. Criteria: GeneDx Variant Classification Process June 2021. Collection method: clinical testing. Allele origin: germline. Affected: yes.
Comment: Has not been previously published as pathogenic or benign to our knowledge; Not observed in large population cohorts (Lek et al., 2016); In silico analysis, which includes protein predictors and evolutionary conservation, supports that this variant does not alter protein structure/function; This variant is associated with the following publications: (PMID: 30847666)

Literature cited by the submitters: PubMed 30847666 (cited by 3 submitters); PubMed 37178278 (cited by 3 submitters).

NM_170707.4(LMNA):c.1660G>A (p.Glu554Lys)

Gene: LMNA (lamin A/C; plus strand). Cytogenetic location: 1q22.
Variant type: single nucleotide variant.
Coding change: c.1660G>A on transcript NM_170707.4 (MANE Select); coding-DNA position 1660, G replaced by A.
Protein change: p.Glu554Lys; replaces glutamic acid 554 with lysine.
Molecular consequence: missense variant. On other transcripts: intron variant (1).
Genome position (GRCh38, 1-based): chr1:156,137,705, G>A. VCF-style: chr1-156137705-G-A. GRCh37 (hg19) VCF-style: chr1-156107496-G-A.
Other names: c.1324G>A, p.Glu442Lys (NM_001257374.3); c.1417G>A, p.Glu473Lys (NM_001282624.2); c.1660G>A, p.Glu554Lys (NM_001282625.2, NM_001282626.2, NM_005572.4); c.1608+473G>A (NM_170708.4); short protein forms E554K, E473K, E442K.
Identifiers: ClinVar variation 920376 (VCV000920376.17), dbSNP rs71630616, ClinGen allele CA342825602.